The following is an entry in ClinVar:

ClinVar aggregate classification (germline): Likely benign. Review status: criteria provided, multiple submitters, no conflicts (2 of 4 stars). 2 submissions from 2 submitters: Likely benign (2). Last evaluated 2026-01-12.

Conditions:
Dilated cardiomyopathy 1G (CMD1G). Identifiers: Orphanet 154, MedGen C1858763, MONDO:0011400, OMIM 604145.
Autosomal recessive limb-girdle muscular dystrophy type 2J (LGMDR10). Also called: Limb-girdle muscular dystrophy, type 2J; MUSCULAR DYSTROPHY, LIMB-GIRDLE, AUTOSOMAL RECESSIVE 10. Identifiers: Orphanet 140922, MedGen C1837342, MONDO:0012127, OMIM 608807.

Allele frequency attached by ClinVar (database versions not stated): ExAC 0.00001; gnomAD exomes 0.00001 and 0.00002; TOPMed 0.00001.
gnomAD v4.1: 8 of 1,613,098 alleles (0.0005%); highest among the groups gnomAD compares: Admixed American, 0.012%; no homozygotes.

Submissions (2):

Labcorp Genetics (formerly Invitae), Labcorp
Classification: Likely benign for Dilated cardiomyopathy 1G; Autosomal recessive limb-girdle muscular dystrophy type 2J. Last evaluated: 2026-01-12. Review status: criteria provided, single submitter. Criteria: Invitae Variant Classification Sherloc (09022015). Collection method: clinical testing. Allele origin: germline.

CeGaT Center for Human Genetics Tuebingen
Classification: Likely benign. Last evaluated: 2022-07-01. Review status: criteria provided, single submitter. Criteria: CeGaT Center For Human Genetics Tuebingen Variant Classification Criteria Version 2. Collection method: clinical testing. Allele origin: germline. Affected: yes. Observed: 2 variant alleles.
Comment: TTN: BP4, BP7

NM_001267550.2(TTN):c.55884A>G (p.Lys18628=)

Genes: TTN (titin; minus strand), TTN-AS1 (TTN antisense RNA 1; plus strand). Cytogenetic location: 2q31.2.
Variant type: single nucleotide variant.
Coding change: c.55884A>G on transcript NM_001267550.2 (MANE Select); coding-DNA position 55884, A replaced by G.
Protein change: p.Lys18628=; no amino-acid change (lysine 18628 retained).
Molecular consequence: synonymous variant.
Genome position (GRCh38, 1-based): chr2:178,601,020, T>C on the plus strand (A>G on the coding strand, the complement: TTN is on the minus strand). VCF-style: chr2-178601020-T-C. GRCh37 (hg19) VCF-style: chr2-179465747-T-C.
Other names: c.50961A>G, p.Lys16987= (NM_001256850.1); c.28689A>G, p.Lys9563= (NM_003319.4); c.48180A>G, p.Lys16060= (NM_133378.4); c.29064A>G, p.Lys9688= (NM_133432.3); c.29265A>G, p.Lys9755= (NM_133437.4).
Identifiers: ClinVar variation 1621505 (VCV001621505.32), dbSNP rs776653880, ClinGen allele CA1993365.